The following is an entry in ClinVar:

ClinVar aggregate classification (germline): Uncertain significance (1 of 4 stars; one submission).

gnomAD v4.1: 5 of 1,612,466 alleles (0.00031%); highest among the groups gnomAD compares: Non-Finnish European, 0.00042%; no homozygotes.

Submission:

CeGaT Center for Human Genetics Tuebingen
Classification: Uncertain significance. Last evaluated: 2022-05-01. Review status: criteria provided, single submitter. Criteria: CeGaT Center For Human Genetics Tuebingen Variant Classification Criteria Version 2. Collection method: clinical testing. Allele origin: germline. Affected: yes. Observed: 1 variant allele.
Comment: RTEL1: PM2, BP4

NM_001283009.2(RTEL1):c.2600C>A (p.Pro867Gln)

Genes: RTEL1 (regulator of telomere elongation helicase 1; plus strand), RTEL1-TNFRSF6B (RTEL1-TNFRSF6B readthrough (NMD candidate); plus strand). Cytogenetic location: 20q13.33.
Variant type: single nucleotide variant.
Coding change: c.2600C>A on transcript NM_001283009.2 (MANE Select); coding-DNA position 2600, C replaced by A.
Protein change: p.Pro867Gln; replaces proline 867 with glutamine.
Molecular consequence: missense variant. On other transcripts: non-coding transcript variant (1).
Genome position (GRCh38, 1-based): chr20:63,691,785, C>A. VCF-style: chr20-63691785-C-A. GRCh37 (hg19) VCF-style: chr20-62323138-C-A.
Other names: c.1931C>A, p.Pro644Gln (NM_001283010.1); c.2600C>A, p.Pro867Gln (NM_016434.4); c.2672C>A, p.Pro891Gln (NM_032957.5); short protein forms P644Q, P867Q, P891Q.
Identifiers: ClinVar variation 1695023 (VCV001695023.31), dbSNP rs139083375, ClinGen allele CA409682355.